The following is an entry in ClinVar:

NM_001035.3(RYR2):c.8868T>C (p.Tyr2956=)

Gene: RYR2 (ryanodine receptor 2; plus strand). Cytogenetic location: 1q43.
Variant type: single nucleotide variant.
Coding change: c.8868T>C on transcript NM_001035.3 (MANE Select); coding-DNA position 8868, T replaced by C.
Protein change: p.Tyr2956=; no amino-acid change (tyrosine 2956 retained).
Molecular consequence: synonymous variant.
Genome position (GRCh38, 1-based): chr1:237,678,085, T>C. VCF-style: chr1-237678085-T-C. GRCh37 (hg19) VCF-style: chr1-237841385-T-C.
Identifiers: ClinVar variation 3385805 (VCV003385805.2).

ClinVar aggregate classification (germline): Benign/Likely benign. Review status: criteria provided, multiple submitters, no conflicts (2 of 4 stars). 3 submissions from 3 submitters: Benign (1); Likely benign (2). Last evaluated 2025-08-05.

Conditions:
Catecholaminergic polymorphic ventricular tachycardia (CVPT). Also called: Catecholamine-induced polymorphic ventricular tachycardia. Identifiers: Orphanet 3286, MedGen C5574922, MONDO:0017990.
Cardiomyopathy (CMYO). Also called: Cardiomyopathies. Identifiers: Orphanet 167848, MedGen C0878544, MONDO:0004994, HP:0001638. Inheritance: Various modes of inheritance.
Catecholaminergic polymorphic ventricular tachycardia 1. Also called: VENTRICULAR TACHYCARDIA, CATECHOLAMINERGIC POLYMORPHIC, 1, WITH OR WITHOUT ATRIAL DYSFUNCTION AND/OR DILATED CARDIOMYOPATHY; VENTRICULAR TACHYCARDIA, STRESS-INDUCED POLYMORPHIC 1; RYR2-Related Catecholaminergic Polymorphic Ventricular Tachycardia. Identifiers: Orphanet 3286, MedGen C1631597, MONDO:0011484, OMIM 604772.

Submissions (3):

Labcorp Genetics (formerly Invitae), Labcorp
Classification: Benign for Catecholaminergic polymorphic ventricular tachycardia 1. Last evaluated: 2025-08-05. Review status: criteria provided, single submitter. Criteria: Invitae Variant Classification Sherloc (09022015). Collection method: clinical testing. Allele origin: germline.

All of Us Research Program, National Institutes of Health
Classification: Likely benign for Catecholaminergic polymorphic ventricular tachycardia. Last evaluated: 2024-07-20. Review status: criteria provided, single submitter. Criteria: ACMG Guidelines, 2015. Collection method: clinical testing. Allele origin: germline. Inheritance: Autosomal dominant inheritance. Observed: 2 variant alleles, 2 heterozygotes.
Comment: This study involves interpretation of variants in research participants for the purpose of population health screening. Participant phenotype was not available at the time of variant classification. Additional details can be found in publication PMID: 35346344, PMCID: PMC8962531

Color Diagnostics, LLC DBA Color Health
Classification: Likely benign for Cardiomyopathy. Last evaluated: 2024-04-24. Review status: criteria provided, single submitter. Criteria: ACMG Guidelines, 2015. Collection method: clinical testing. Allele origin: germline.